The following is an entry in ClinVar:

ClinVar aggregate classification (germline): Uncertain significance (1 of 4 stars; one submission).

Conditions:
NR3C2-related disorder. Also called: NR3C2-related disorders; NR3C2-related condition.

Submission:

PreventionGenetics, part of Exact Sciences
Classification: Uncertain significance for NR3C2-related condition. Last evaluated: 2026-05-20. Review status: criteria provided, single submitter. Criteria: ACMG Guidelines, 2015. Collection method: clinical testing. Allele origin: germline.
Comment: The NR3C2 c.1066C>G variant is predicted to result in the amino acid substitution p.Arg356Gly. To our knowledge, this variant has not been reported in the literature or in a large population database (gnomAD), indicating this variant is rare. At this time, the clinical significance of this variant is uncertain due to the absence of conclusive functional and genetic evidence.

NM_000901.5(NR3C2):c.1066C>G (p.Arg356Gly)

Gene: NR3C2 (nuclear receptor subfamily 3 group C member 2; minus strand). Cytogenetic location: 4q31.23.
Variant type: single nucleotide variant.
Coding change: c.1066C>G on transcript NM_000901.5 (MANE Select); coding-DNA position 1066, C replaced by G.
Protein change: p.Arg356Gly; replaces arginine 356 with glycine.
Molecular consequence: missense variant. On other transcripts: non-coding transcript variant (1).
Genome position (GRCh38, 1-based): chr4:148,435,795, G>C on the plus strand (C>G on the coding strand, the complement: NR3C2 is on the minus strand). VCF-style: chr4-148435795-G-C. GRCh37 (hg19) VCF-style: chr4-149356947-G-C.
Other names: c.1066C>G, p.Arg356Gly (NM_001166104.2, NM_001354819.1, NM_001437654.1 and 4 more transcripts); short protein forms R356G.
Identifiers: ClinVar variation 4996714 (VCV004996714.1).